The following is an entry in ClinVar:

ClinVar aggregate classification (germline): Uncertain significance (1 of 4 stars; one submission).

Submission:

Labcorp Genetics (formerly Invitae), Labcorp
Classification: Uncertain significance. Last evaluated: 2023-07-07. Review status: criteria provided, single submitter. Criteria: Invitae Variant Classification Sherloc (09022015). Collection method: clinical testing. Allele origin: germline.
Comment: In summary, the available evidence is currently insufficient to determine the role of this variant in disease. Therefore, it has been classified as a Variant of Uncertain Significance. Experimental studies and prediction algorithms are not available or were not evaluated, and the functional significance of this variant is currently unknown. This variant has not been reported in the literature in individuals affected with POLE-related conditions. This variant is not present in population databases (gnomAD no frequency). This variant, c.307_315del, results in the deletion of 3 amino acid(s) of the POLE protein (p.Tyr103_Tyr105del), but otherwise preserves the integrity of the reading frame.

NM_006231.4(POLE):c.307_315del (p.Tyr103_Tyr105del)

Gene: POLE (DNA polymerase epsilon, catalytic subunit; minus strand). Cytogenetic location: 12q24.33.
Variant type: Deletion.
Coding change: c.307_315del on transcript NM_006231.4 (MANE Select); coding-DNA positions 307 to 315, 9 bases deleted (TATTTCTAC; older notation c.307_315delTATTTCTAC).
Protein change: p.Tyr103_Tyr105del.
Molecular consequence: inframe deletion.
Genome position (GRCh38, 1-based): chr12:132,680,193-132,680,201, GTAGAAATA deleted on the plus strand (TATTTCTAC on the coding strand, the reverse complement: POLE is on the minus strand). VCF-style (leftmost placement, unchanged base first): chr12-132680192-TGTAGAAATA-T. GRCh37 (hg19) VCF-style: chr12-133256778-TGTAGAAATA-T.
Identifiers: ClinVar variation 2736550 (VCV002736550.3), dbSNP rs2542191692, ClinGen allele CA2697551649.